The following is an entry in ClinVar:

ClinVar aggregate classification (germline): Benign. Review status: criteria provided, multiple submitters, no conflicts (2 of 4 stars). 4 submissions from 4 submitters: Benign (4). Last evaluated 2024-07-15.

Conditions:
Autosomal recessive Alport syndrome (ATS2). Also called: COL4A3-Related Nephropathy; COL4A4 Alport Syndrome and Thin Basement Membrane Nephropathy; ALPORT SYNDROME 2, AUTOSOMAL RECESSIVE; Alport syndrome type 2. Identifiers: Orphanet 63, Orphanet 88919, MedGen C4746745, MONDO:0008762, OMIM 203780.

Allele frequency attached by ClinVar (database versions not stated): gnomAD exomes 0.60692 and 0.62480; gnomAD 0.61276 and 0.61540; TOPMed 0.62214; ESP Exome Variant Server 0.62445; 1000 Genomes Project 0.63379; 1000 Genomes Project 30x 0.63445; ExAC 0.65132.
gnomAD v4.1: 946,759 of 1,557,262 alleles (61%); highest among the groups gnomAD compares: South Asian, 75%; 289,893 homozygotes.

Submissions (4):

Unidad de Genómica Garrahan, Hospital de Pediatría Garrahan
Classification: Benign. Last evaluated: 2024-07-15. Review status: criteria provided, single submitter. Criteria: ACMG Guidelines, 2015. Collection method: clinical testing. Allele origin: germline. Affected: no. Observed: 65 variant alleles.
Comment: This variant is classified as Benign based on local population frequency. This variant was detected in 70% of patients studied in a panel designed for Epileptic and Developmental Encephalopathy and Progressive Myoclonus Epilepsy. Number of patients: 65. Only high quality variants are reported.

Genome-Nilou Lab
Classification: Benign for Autosomal recessive Alport syndrome. Last evaluated: 2021-07-10. Review status: criteria provided, single submitter. Criteria: ACMG Guidelines, 2015. Collection method: clinical testing. Allele origin: germline. Affected: no.

GeneDx
Classification: Benign. Last evaluated: 2018-06-22. Review status: criteria provided, single submitter. Criteria: GeneDx Variant Classification Process June 2021. Collection method: clinical testing. Allele origin: germline. Affected: yes.

Breakthrough Genomics
Classification: Benign. Review status: criteria provided, single submitter. Criteria: ACMG Guidelines, 2015. Collection method: not provided. Allele origin: germline. Inheritance: Autosomal recessive inheritance. Affected: yes.

NM_000092.5(COL4A4):c.2545+46A>T

Gene: COL4A4 (collagen type IV alpha 4 chain; minus strand). Cytogenetic location: 2q36.3.
Variant type: single nucleotide variant.
Coding change: c.2545+46A>T on transcript NM_000092.5 (MANE Select); 46 bases into the intron after coding-DNA position 2545, A replaced by T.
Molecular consequence: intron variant.
Genome position (GRCh38, 1-based): chr2:227,057,393, T>A on the plus strand (A>T on the coding strand, the complement: COL4A4 is on the minus strand). VCF-style: chr2-227057393-T-A. GRCh37 (hg19) VCF-style: chr2-227922109-T-A.
Identifiers: ClinVar variation 1184736 (VCV001184736.6), dbSNP rs7567796, ClinGen allele CA2144786.